The following is an entry in ClinVar:

ClinVar aggregate classification (germline): Benign (0 of 4 stars; one submission).

Conditions:
DRD4-related disorder. Also called: DRD4-related condition.

Submission:

PreventionGenetics, part of Exact Sciences
Classification: Benign for DRD4-related condition. Last evaluated: 2019-11-04. Review status: no assertion criteria provided. Collection method: clinical testing. Allele origin: germline.
Comment: This variant is classified as benign based on ACMG/AMP sequence variant interpretation guidelines (Richards et al. 2015 PMID: 25741868, with internal and published modifications).

NM_000797.4(DRD4):c.850_897del (p.Ser284_Pro299del)

Gene: DRD4 (dopamine receptor D4; plus strand). Cytogenetic location: 11p15.5.
Variant type: Deletion.
Coding change: c.850_897del on transcript NM_000797.4 (MANE Select); coding-DNA positions 850 to 897, 48 bases deleted.
Protein change: p.Ser284_Pro299del.
Genome position (GRCh38, 1-based): chr11:640,099-640,146, 48 bases deleted; deleting any 48 consecutive bases within chr11:640,091-640,146 gives the same sequence; the c. name uses the placement nearest the transcript's 3' end. GRCh37 (hg19): chr11:640,099-640,146.
Identifiers: ClinVar variation 3041386 (VCV003041386.2), dbSNP rs750129422, ClinGen allele CA5785840.